The following is an entry in ClinVar:

ClinVar aggregate classification (germline): Uncertain significance (1 of 4 stars; one submission).

Allele frequency attached by ClinVar (database versions not stated): gnomAD exomes below 0.00001.
gnomAD v4.1: 1 of 1,614,080 alleles (0.000062%); highest among the groups gnomAD compares: Non-Finnish European, 0.000085%; no homozygotes.

Submission:

Labcorp Genetics (formerly Invitae), Labcorp
Classification: Uncertain significance. Last evaluated: 2025-01-27. Review status: criteria provided, single submitter. Criteria: Invitae Variant Classification Sherloc (09022015). Collection method: clinical testing. Allele origin: germline.
Comment: This sequence change replaces arginine, which is basic and polar, with cysteine, which is neutral and slightly polar, at codon 668 of the C3 protein (p.Arg668Cys). This variant is not present in population databases (gnomAD no frequency). This variant has not been reported in the literature in individuals affected with C3-related conditions. ClinVar contains an entry for this variant (Variation ID: 2808463). Invitae Evidence Modeling of protein sequence and biophysical properties (such as structural, functional, and spatial information, amino acid conservation, physicochemical variation, residue mobility, and thermodynamic stability) indicates that this missense variant is expected to disrupt C3 protein function with a positive predictive value of 80%. In summary, the available evidence is currently insufficient to determine the role of this variant in disease. Therefore, it has been classified as a Variant of Uncertain Significance.

NM_000064.4(C3):c.2002C>T (p.Arg668Cys)

Gene: C3 (complement C3; minus strand). Cytogenetic location: 19p13.3.
Variant type: single nucleotide variant.
Coding change: c.2002C>T on transcript NM_000064.4 (MANE Select); coding-DNA position 2002, C replaced by T.
Protein change: p.Arg668Cys; replaces arginine 668 with cysteine.
Molecular consequence: missense variant.
Genome position (GRCh38, 1-based): chr19:6,707,511, G>A on the plus strand (C>T on the coding strand, the complement: C3 is on the minus strand). VCF-style: chr19-6707511-G-A. GRCh37 (hg19) VCF-style: chr19-6707522-G-A.
Other names: short protein forms R668C.
Identifiers: ClinVar variation 2808463 (VCV002808463.3), dbSNP rs2145422979, ClinGen allele CA403637714.
Genomic context (GRCh38, chr19:6,707,511, plus strand): 5'-AGGAAAGGCTCCCACCTTTGTCCATTCGCTTCTCCGTGAGCTGCACGGAACGGCGTCGGC[G>A]GGCGGCTGGCTGCGGGCACTGAAGTTCTGCAGGGCAGGCGGACCGAGAAGAAGATGGATG-3'
Protein context (NP_000055.2, residues 658-678): AELQCPQPAA[Arg668Cys]RRRSVQLTEK